The following is an entry in ClinVar:

ClinVar aggregate classification (germline): Uncertain significance. Review status: criteria provided, multiple submitters, no conflicts (2 of 4 stars). 2 submissions from 2 submitters: Uncertain significance (2). Last evaluated 2024-05-13.

Conditions:
Fanconi anemia complementation group D2. Also called: FANCD2-Related Fanconi Anemia; FANCONI PANCYTOPENIA, TYPE 4; FANCONI ANEMIA, COMPLEMENTATION GROUP D. Identifiers: Orphanet 84, MedGen C3160738, MONDO:0009214, OMIM 227646.
Fanconi anemia (FA). Also called: Fanconi's anemia. Identifiers: Orphanet 84, MedGen C0015625, MeSH D005199, MONDO:0019391.

Allele frequency attached by ClinVar (database versions not stated): gnomAD 0.00001.
gnomAD v4.1: 28 of 1,614,058 alleles (0.0017%); highest among the groups gnomAD compares: Non-Finnish European, 0.0022%; no homozygotes.

Submissions (2):

Fulgent Genetics
Classification: Uncertain significance for Fanconi anemia complementation group D2. Last evaluated: 2024-05-13. Review status: criteria provided, single submitter. Criteria: ACMG Guidelines, 2015. Collection method: clinical testing. Allele origin: germline.

Labcorp Genetics (formerly Invitae), Labcorp
Classification: Uncertain significance for Fanconi anemia. Last evaluated: 2021-09-30. Review status: criteria provided, single submitter. Criteria: Invitae Variant Classification Sherloc (09022015). Collection method: clinical testing. Allele origin: germline.
Comment: This sequence change replaces phenylalanine with leucine at codon 635 of the FANCD2 protein (p.Phe635Leu). The phenylalanine residue is weakly conserved and there is a small physicochemical difference between phenylalanine and leucine. This variant is not present in population databases (ExAC no frequency). This variant has not been reported in the literature in individuals affected with FANCD2-related conditions. Algorithms developed to predict the effect of missense changes on protein structure and function (SIFT, PolyPhen-2, Align-GVGD) all suggest that this variant is likely to be tolerated. In summary, the available evidence is currently insufficient to determine the role of this variant in disease. Therefore, it has been classified as a Variant of Uncertain Significance.

NM_001018115.3(FANCD2):c.1903T>C (p.Phe635Leu)

Genes: FANCD2 (FA complementation group D2; plus strand), LOC107303338 (3p25 FANCD2 Alu-mediated recombination region; plus strand). Cytogenetic location: 3p25.3.
Variant type: single nucleotide variant.
Coding change: c.1903T>C on transcript NM_001018115.3 (MANE Select); coding-DNA position 1903, T replaced by C.
Protein change: p.Phe635Leu; replaces phenylalanine 635 with leucine.
Molecular consequence: missense variant.
Genome position (GRCh38, 1-based): chr3:10,063,867, T>C. VCF-style: chr3-10063867-T-C. GRCh37 (hg19) VCF-style: chr3-10105551-T-C.
Other names: c.1903T>C, p.Phe635Leu (NM_001319984.2, NM_001374254.1, NM_033084.6); c.1792T>C, p.Phe598Leu (NM_001374253.1); c.1903T>C (NM_033084.4); short protein forms F598L, F635L.
Identifiers: ClinVar variation 1399767 (VCV001399767.4), dbSNP rs1179966779, ClinGen allele CA351730129.
Genomic context (GRCh38, chr3:10,063,867, plus strand): 5'-CAGTTGGTTCATTCCTGCAGTGAGCAGTCTCCTCAGGCCTCTGCACTTTACTATGATGAA[T>C]TTGCCAACCTGATCCAACATGAAAAGCTGGATCCAAAAGCCCTGGTAAAGCCAATTGTCT-3'
Protein context (NP_001018125.1, residues 625-645): PQASALYYDE[Phe635Leu]ANLIQHEKLD